The following is an entry in ClinVar:

ClinVar aggregate classification (germline): Uncertain significance. Review status: criteria provided, multiple submitters, no conflicts (2 of 4 stars). 2 submissions from 2 submitters: Uncertain significance (2). Last evaluated 2023-09-11.

Conditions:
Cardiovascular phenotype. Identifiers: MedGen CN230736.
Hereditary cancer-predisposing syndrome. Also called: Hereditary Cancer Syndrome; Hereditary neoplastic syndrome; Neoplastic Syndromes, Hereditary; Tumor predisposition. Identifiers: Orphanet 140162, MedGen C0027672, MeSH D009386, MONDO:0015356.
Neurofibromatosis, type 1 (NF1). Also called: NEUROFIBROMATOSIS, TYPE I, SOMATIC; Peripheral type neurofibromatosis; VON RECKLINGHAUSEN DISEASE; Neurofibromatosis, type I. Identifiers: Orphanet 636, MedGen C0027831, MONDO:0018975, OMIM 162200. Disease mechanism: loss of function.

Allele frequency attached by ClinVar (database versions not stated): gnomAD exomes below 0.00001; TOPMed below 0.00001.
gnomAD v4.1: 1 of 1,614,134 alleles (0.000062%); highest among the groups gnomAD compares: East Asian, 0.0022%; no homozygotes.

Submissions (2):

Labcorp Genetics (formerly Invitae), Labcorp
Classification: Uncertain significance for Neurofibromatosis, type 1. Last evaluated: 2023-09-11. Review status: criteria provided, single submitter. Criteria: Invitae Variant Classification Sherloc (09022015). Collection method: clinical testing. Allele origin: germline.
Comment: In summary, the available evidence is currently insufficient to determine the role of this variant in disease. Therefore, it has been classified as a Variant of Uncertain Significance. Advanced modeling of protein sequence and biophysical properties (such as structural, functional, and spatial information, amino acid conservation, physicochemical variation, residue mobility, and thermodynamic stability) performed at Invitae indicates that this missense variant is not expected to disrupt NF1 protein function. This variant has not been reported in the literature in individuals affected with NF1-related conditions. This variant is not present in population databases (gnomAD no frequency). This sequence change replaces valine, which is neutral and non-polar, with alanine, which is neutral and non-polar, at codon 1200 of the NF1 protein (p.Val1200Ala).

Ambry Genetics
Classification: Uncertain significance for Cardiovascular phenotype; Hereditary cancer-predisposing syndrome. Last evaluated: 2023-07-01. Review status: criteria provided, single submitter. Criteria: Ambry Variant Classification Scheme 2023. Collection method: clinical testing. Allele origin: germline.
Comment: The p.V1200A variant (also known as c.3599T>C), located in coding exon 27 of the NF1 gene, results from a T to C substitution at nucleotide position 3599. The valine at codon 1200 is replaced by alanine, an amino acid with similar properties. This amino acid position is conserved. In addition, this alteration is predicted to be tolerated by in silico analysis. Since supporting evidence is limited at this time, the clinical significance of this alteration remains unclear.

NM_001042492.3(NF1):c.3599T>C (p.Val1200Ala)

Gene: NF1 (neurofibromin 1; plus strand). Cytogenetic location: 17q11.2.
Variant type: single nucleotide variant.
Coding change: c.3599T>C on transcript NM_001042492.3 (MANE Select); coding-DNA position 3599, T replaced by C.
Protein change: p.Val1200Ala; replaces valine 1200 with alanine.
Molecular consequence: missense variant.
Genome position (GRCh38, 1-based): chr17:31,233,104, T>C. VCF-style: chr17-31233104-T-C. GRCh37 (hg19) VCF-style: chr17-29560122-T-C.
Other names: c.3599T>C, p.Val1200Ala (NM_000267.4); short protein forms V1200A.
Identifiers: ClinVar variation 2815526 (VCV002815526.4), dbSNP rs1597720023, ClinGen allele CA398990256.
Genomic context (GRCh38, chr17:31,233,104, plus strand): 5'-TGGAAGTTCTGACAAAAATCCTTCAACAAGGCACAGAATTTGACACACTTGCAGAAACAG[T>C]ATTGGCTGATCGGTTTGAGAGATTGGTGGAACTGGTCACAATGATGGGTGATCAAGGAGA-3'
Protein context (NP_001035957.1, residues 1190-1210): GTEFDTLAET[Val1200Ala]LADRFERLVE